The following is an entry in ClinVar:

NM_004562.3(PRKN):c.1166A>G (p.Gln389Arg)

Gene: PRKN (parkin RBR E3 ubiquitin protein ligase; minus strand). Cytogenetic location: 6q26.
Variant type: single nucleotide variant.
Coding change: c.1166A>G on transcript NM_004562.3 (MANE Select); coding-DNA position 1166, A replaced by G.
Protein change: p.Gln389Arg; replaces glutamine 389 with arginine.
Molecular consequence: missense variant.
Genome position (GRCh38, 1-based): chr6:161,386,795, T>C on the plus strand (A>G on the coding strand, the complement: PRKN is on the minus strand). VCF-style: chr6-161386795-T-C. GRCh37 (hg19) VCF-style: chr6-161807827-T-C.
Other names: c.1082A>G, p.Gln361Arg (NM_013987.3); c.719A>G, p.Gln240Arg (NM_013988.3); short protein forms Q361R, Q389R, Q240R.
Identifiers: ClinVar variation 1939308 (VCV001939308.5), dbSNP rs2483325444, ClinGen allele CA366456662.
Genomic context (GRCh38, chr6:161,386,795, plus strand): 5'-CTCCAGTCCCCCACTGTATCCGGAGCCCTGCTTGGAGGAATGAGTAGGGCATTCTGTACC[T>C]GAGTAGTTGTTCCTGAGGCTTCAAATACGGCACTGCACTCCCCTTCATGGTACGCTTCTT-3'
Protein context (NP_004553.2, residues 379-399): AVFEASGTTT[Gln389Arg]AYRVDERAAE

ClinVar aggregate classification (germline): Uncertain significance (1 of 4 stars; one submission).

Allele frequency attached by ClinVar (database versions not stated): gnomAD exomes below 0.00001.
gnomAD v4.1: 3 of 1,609,198 alleles (0.00019%); highest among the groups gnomAD compares: African/African-American, 0.0013%; no homozygotes.

Submission:

Labcorp Genetics (formerly Invitae), Labcorp
Classification: Uncertain significance. Last evaluated: 2021-12-27. Review status: criteria provided, single submitter. Criteria: Invitae Variant Classification Sherloc (09022015). Collection method: clinical testing. Allele origin: germline.
Comment: Algorithms developed to predict the effect of missense changes on protein structure and function are either unavailable or do not agree on the potential impact of this missense change (SIFT: "Tolerated"; PolyPhen-2: "Probably Damaging"; Align-GVGD: "Class C0"). Algorithms developed to predict the effect of sequence changes on RNA splicing suggest that this variant may disrupt the consensus splice site. In summary, the available evidence is currently insufficient to determine the role of this variant in disease. Therefore, it has been classified as a Variant of Uncertain Significance. This sequence change replaces glutamine, which is neutral and polar, with arginine, which is basic and polar, at codon 389 of the PRKN protein (p.Gln389Arg). This variant is not present in population databases (gnomAD no frequency). This variant has not been reported in the literature in individuals affected with PRKN-related conditions.